The following is an entry in ClinVar:

ClinVar aggregate classification (germline): Uncertain significance. Review status: criteria provided, multiple submitters, no conflicts (2 of 4 stars). 3 submissions from 3 submitters: Uncertain significance (3). Last evaluated 2024-08-02.

Conditions:
Dyskeratosis congenita, autosomal dominant 2. Identifiers: MedGen C3151443, MONDO:0013521, OMIM 613989.
Idiopathic Pulmonary Fibrosis. Also called: Idiopathic fibrosing alveolitis, chronic form; idiopathic fibrosing alveolitis. Identifiers: Orphanet 2032, MedGen C1800706, MeSH D054990, MONDO:0800504.
Dyskeratosis congenita. Identifiers: Orphanet 1775, MedGen C0265965, MONDO:0015780.

Allele frequency attached by ClinVar (database versions not stated): gnomAD exomes below 0.00001.
gnomAD v4.1: 1 of 1,613,386 alleles (0.000062%); highest among the groups gnomAD compares: Non-Finnish European, 0.000085%; no homozygotes.

Submissions (3):

Ambry Genetics
Classification: Uncertain significance for Dyskeratosis congenita. Last evaluated: 2024-08-02. Review status: criteria provided, single submitter. Criteria: Ambry Variant Classification Scheme 2023. Collection method: clinical testing. Allele origin: germline.
Comment: The p.H500L variant (also known as c.1499A>T), located in coding exon 2 of the TERT gene, results from an A to T substitution at nucleotide position 1499. The histidine at codon 500 is replaced by leucine, an amino acid with similar properties. This amino acid position is conserved. In addition, this alteration is predicted to be tolerated by in silico analysis. Based on the available evidence, the clinical significance of this variant remains unclear.

Labcorp Genetics (formerly Invitae), Labcorp
Classification: Uncertain significance for Dyskeratosis congenita, autosomal dominant 2; Idiopathic Pulmonary Fibrosis. Last evaluated: 2023-03-31. Review status: criteria provided, single submitter. Criteria: Invitae Variant Classification Sherloc (09022015). Collection method: clinical testing. Allele origin: germline.
Comment: In summary, the available evidence is currently insufficient to determine the role of this variant in disease. Therefore, it has been classified as a Variant of Uncertain Significance. Advanced modeling of protein sequence and biophysical properties (such as structural, functional, and spatial information, amino acid conservation, physicochemical variation, residue mobility, and thermodynamic stability) has been performed at Invitae for this missense variant, however the output from this modeling did not meet the statistical confidence thresholds required to predict the impact of this variant on TERT protein function. ClinVar contains an entry for this variant (Variation ID: 1429673). This variant has not been reported in the literature in individuals affected with TERT-related conditions. This variant is not present in population databases (gnomAD no frequency). This sequence change replaces histidine, which is basic and polar, with leucine, which is neutral and non-polar, at codon 500 of the TERT protein (p.His500Leu).

GeneDx
Classification: Uncertain significance. Last evaluated: 2022-10-10. Review status: criteria provided, single submitter. Criteria: GeneDx Variant Classification Process June 2021. Collection method: clinical testing. Allele origin: germline. Affected: yes.
Comment: Not observed at significant frequency in large population cohorts (gnomAD); In silico analysis supports that this missense variant has a deleterious effect on protein structure/function; Has not been previously published as pathogenic or benign to our knowledge

NM_198253.3(TERT):c.1499A>T (p.His500Leu)

Gene: TERT (telomerase reverse transcriptase; minus strand). Cytogenetic location: 5p15.33.
Variant type: single nucleotide variant.
Coding change: c.1499A>T on transcript NM_198253.3 (MANE Select); coding-DNA position 1499, A replaced by T.
Protein change: p.His500Leu; replaces histidine 500 with leucine.
Molecular consequence: missense variant. On other transcripts: non-coding transcript variant (2).
Genome position (GRCh38, 1-based): chr5:1,293,387, T>A on the plus strand (A>T on the coding strand, the complement: TERT is on the minus strand). VCF-style: chr5-1293387-T-A. GRCh37 (hg19) VCF-style: chr5-1293502-T-A.
Other names: c.1499A>T (NM_198253.2); c.1499A>T, p.His500Leu (NM_001193376.3); short protein forms H500L.
Identifiers: ClinVar variation 1429673 (VCV001429673.10), dbSNP rs2126683887, ClinGen allele CA359085306.